The following is an entry in ClinVar:

NM_000061.3(BTK):c.1567-2A>C

Gene: BTK (Bruton tyrosine kinase; minus strand). Cytogenetic location: Xq22.1.
Variant type: single nucleotide variant.
Coding change: c.1567-2A>C on transcript NM_000061.3 (MANE Select); the canonical splice acceptor site of the intron before coding-DNA position 1567, A replaced by C.
Molecular consequence: splice acceptor variant.
Genome position (GRCh38, 1-based): chrX:101,354,696, T>G on the plus strand (A>C on the coding strand, the complement: BTK is on the minus strand). VCF-style: chrX-101354696-T-G. GRCh37 (hg19) VCF-style: chrX-100609684-T-G.
Other names: c.1669-2A>C (NM_001287344.2); c.1039-2A>C (NM_001287345.2).
Identifiers: ClinVar variation 2138646 (VCV002138646.4), dbSNP rs1555977598, ClinGen allele CA413922562.

ClinVar aggregate classification (germline): Pathogenic (1 of 4 stars; one submission).

Conditions:
X-linked agammaglobulinemia with growth hormone deficiency (IGHD3). Also called: FLEISHER SYNDROME; HYPOGAMMAGLOBULINEMIA AND ISOLATED GROWTH HORMONE DEFICIENCY, X-LINKED; IGHD III; AGAMMAGLOBULINEMIA AND ISOLATED GROWTH HORMONE DEFICIENCY, X-LINKED; Isolated growth hormone deficiency type 3; Growth hormone deficiency with hypogammaglobulinemia. Identifiers: Orphanet 231692, Orphanet 631, MedGen C0472813, MONDO:0010615, OMIM 307200.

Submission:

Labcorp Genetics (formerly Invitae), Labcorp
Classification: Pathogenic for X-linked agammaglobulinemia with growth hormone deficiency. Last evaluated: 2022-08-27. Review status: criteria provided, single submitter. Criteria: Invitae Variant Classification Sherloc (09022015). Collection method: clinical testing. Allele origin: germline.
Comment: Algorithms developed to predict the effect of sequence changes on RNA splicing suggest that this variant may disrupt the consensus splice site. Disruption of this splice site has been observed in individuals with X-linked agammaglobulinemia (PMID: 12405164, 15661032, 19904586). This variant is not present in population databases (gnomAD no frequency). This sequence change affects an acceptor splice site in intron 15 of the BTK gene. It is expected to disrupt RNA splicing. Variants that disrupt the donor or acceptor splice site typically lead to a loss of protein function (PMID: 16199547), and loss-of-function variants in BTK are known to be pathogenic (PMID: 15661032, 16862044, 19419768). For these reasons, this variant has been classified as Pathogenic.

Literature cited by the submitters: PubMed 12405164; PubMed 15661032; PubMed 19904586; PubMed 16199547; PubMed 16862044; PubMed 19419768.